The following is an entry in ClinVar:

ClinVar aggregate classification (germline): Uncertain significance (1 of 4 stars; one submission).

Submission:

GeneDx
Classification: Uncertain significance. Last evaluated: 2024-04-17. Review status: criteria provided, single submitter. Criteria: GeneDx Variant Classification Process June 2021. Collection method: clinical testing. Allele origin: germline. Affected: yes.
Comment: Not observed at significant frequency in large population cohorts (gnomAD); In silico analysis indicates that this missense variant does not alter protein structure/function; Has not been previously published as pathogenic or benign to our knowledge

NM_015278.5(SASH1):c.1070G>A (p.Gly357Glu)

Gene: SASH1 (SAM and SH3 domain containing 1; plus strand). Cytogenetic location: 6q25.1.
Variant type: single nucleotide variant.
Coding change: c.1070G>A on transcript NM_015278.5 (MANE Select); coding-DNA position 1070, G replaced by A.
Protein change: p.Gly357Glu; replaces glycine 357 with glutamic acid.
Molecular consequence: missense variant.
Genome position (GRCh38, 1-based): chr6:148,519,754, G>A. VCF-style: chr6-148519754-G-A. GRCh37 (hg19) VCF-style: chr6-148840890-G-A.
Other names: c.935G>A, p.Gly312Glu (NM_001346505.2); c.698G>A, p.Gly233Glu (NM_001346506.2); c.353G>A, p.Gly118Glu (NM_001346507.2, NM_001346508.2); c.230G>A, p.Gly77Glu (NM_001346509.2); short protein forms G118E, G233E, G312E, G357E, G77E.
Identifiers: ClinVar variation 3372462 (VCV003372462.1).